The following is an entry in ClinVar:

ClinVar aggregate classification (germline): Pathogenic (1 of 4 stars; one submission).

Conditions:
Congenital myasthenic syndrome 8. Also called: MYASTHENIC SYNDROME, CONGENITAL, DUE TO AGRIN DEFICIENCY; Myasthenic syndrome, congenital, 8, with pre- and postsynaptic defects. Identifiers: Orphanet 590, MedGen C3808739, MONDO:0014052, OMIM 615120.

Submission:

Labcorp Genetics (formerly Invitae), Labcorp
Classification: Pathogenic for Congenital myasthenic syndrome 8. Last evaluated: 2018-12-22. Review status: criteria provided, single submitter. Criteria: Invitae Variant Classification Sherloc (09022015). Collection method: clinical testing. Allele origin: germline.
Comment: For these reasons, this variant has been classified as Pathogenic. Loss-of-function variants in AGRN are known to be pathogenic (PMID: 24951643). This variant has not been reported in the literature in individuals with AGRN-related conditions. This variant is not present in population databases (ExAC no frequency). This sequence change creates a premature translational stop signal (p.Tyr425*) in the AGRN gene. It is expected to result in an absent or disrupted protein product.

Literature cited by the submitters: PubMed 24951643.

NM_198576.4(AGRN):c.1275C>G (p.Tyr425Ter)

Gene: AGRN (agrin; plus strand). Cytogenetic location: 1p36.33.
Variant type: single nucleotide variant.
Coding change: c.1275C>G on transcript NM_198576.4 (MANE Select); coding-DNA position 1275, C replaced by G.
Protein change: p.Tyr425Ter; replaces tyrosine 425 with a stop codon.
Molecular consequence: nonsense.
Genome position (GRCh38, 1-based): chr1:1,042,053, C>G. VCF-style: chr1-1042053-C-G. GRCh37 (hg19) VCF-style: chr1-977433-C-G.
Other names: c.1275C>G, p.Tyr425Ter (NM_001305275.2); c.960C>G, p.Tyr320Ter (NM_001364727.2); short protein forms Y320*, Y425*.
Identifiers: ClinVar variation 644955 (VCV000644955.6), dbSNP rs1239736447, ClinGen allele CA337827977.